The following is an entry in ClinVar:

NM_030665.4(RAI1):c.223G>T (p.Ala75Ser)

Gene: RAI1 (retinoic acid induced 1; plus strand). Cytogenetic location: 17p11.2.
Variant type: single nucleotide variant.
Coding change: c.223G>T on transcript NM_030665.4 (MANE Select); coding-DNA position 223, G replaced by T.
Protein change: p.Ala75Ser; replaces alanine 75 with serine.
Molecular consequence: missense variant.
Genome position (GRCh38, 1-based): chr17:17,793,171, G>T. VCF-style: chr17-17793171-G-T. GRCh37 (hg19) VCF-style: chr17-17696485-G-T.
Other names: short protein forms A75S.
Identifiers: ClinVar variation 588756 (VCV000588756.40), dbSNP rs566875015, ClinGen allele CA8418078.

ClinVar aggregate classification (germline): Benign/Likely benign. Review status: criteria provided, multiple submitters, no conflicts (2 of 4 stars). 5 submissions from 5 submitters: Benign (2); Likely benign (2). 1 of the submissions does not count toward it. Last evaluated 2026-02-04.

Conditions:
Inborn genetic diseases. Identifiers: MedGen C0950123, MeSH D030342.
RAI1-related disorder. Also called: RAI1-related condition.

Allele frequency attached by ClinVar (database versions not stated): TOPMed 0.00001; gnomAD exomes 0.00118; 1000 Genomes Project 30x 0.00141; ExAC 0.00142; 1000 Genomes Project 0.00180.
gnomAD v4.1: 900 of 1,613,190 alleles (0.056%); highest among the groups gnomAD compares: South Asian, 0.95%; 21 homozygotes.

Submissions (5):

Labcorp Genetics (formerly Invitae), Labcorp
Classification: Benign. Last evaluated: 2026-02-04. Review status: criteria provided, single submitter. Criteria: Invitae Variant Classification Sherloc (09022015). Collection method: clinical testing. Allele origin: germline.

CeGaT Center for Human Genetics Tuebingen
Classification: Likely benign. Last evaluated: 2023-04-01. Review status: criteria provided, single submitter. Criteria: CeGaT Center For Human Genetics Tuebingen Variant Classification Criteria Version 2. Collection method: clinical testing. Allele origin: germline. Affected: yes. Observed: 1 variant allele.
Comment: RAI1: BS2

GeneDx
Classification: Benign. Last evaluated: 2020-03-29. Review status: criteria provided, single submitter. Criteria: GeneDx Variant Classification Process June 2021. Collection method: clinical testing. Allele origin: germline. Affected: yes.

Ambry Genetics
Classification: Likely benign for Inborn genetic diseases. Last evaluated: 2017-02-07. Review status: criteria provided, single submitter. Criteria: Ambry Variant Classification Scheme 2023. Collection method: clinical testing. Allele origin: germline.

PreventionGenetics, part of Exact Sciences
Classification: Likely benign for RAI1-related condition. Last evaluated: 2019-03-19. Review status: no assertion criteria provided. Collection method: clinical testing. Allele origin: germline. Not counted in ClinVar's aggregate classification.
Comment: This variant is classified as likely benign based on ACMG/AMP sequence variant interpretation guidelines (Richards et al. 2015 PMID: 25741868, with internal and published modifications).